The following is an entry in ClinVar:

NM_000548.5(TSC2):c.577G>A (p.Glu193Lys)

Gene: TSC2 (TSC complex subunit 2; plus strand). Cytogenetic location: 16p13.3.
Variant type: single nucleotide variant.
Coding change: c.577G>A on transcript NM_000548.5 (MANE Select); coding-DNA position 577, G replaced by A.
Protein change: p.Glu193Lys; replaces glutamic acid 193 with lysine.
Molecular consequence: missense variant. On other transcripts: intron variant (1).
Genome position (GRCh38, 1-based): chr16:2,055,497, G>A. VCF-style: chr16-2055497-G-A. GRCh37 (hg19) VCF-style: chr16-2105498-G-A.
Other names: p.E193K:GAG>AAG; c.577G>A, p.Glu193Lys (NM_001077183.3, NM_001114382.3, NM_001363528.2 and 3 more transcripts); c.466G>A, p.Glu156Lys (NM_001318827.2); c.430G>A, p.Glu144Lys (NM_001318829.2); c.610G>A, p.Glu204Lys (NM_001318832.2); c.-1-699G>A (NM_001318831.2); short protein forms E193K, E156K, E144K, E204K.
Identifiers: ClinVar variation 207702 (VCV000207702.20), dbSNP rs45517112, ClinGen allele CA055433.
Genomic context (GRCh38, chr16:2,055,497, plus strand): 5'-TCCTCGGAATTCCTTCTGGTGCTGGTGAACTTGGTCAAATTCAATAGCTGTTACCTCGAC[G>A]AGTACATCGCAAGGATGGTTCAGTAAGAAAAGAATTGAGATCCTGTTCTGATAATGGTCC-3'
Protein context (NP_000539.2, residues 183-203): LVKFNSCYLD[Glu193Lys]YIARMVQMIC

ClinVar aggregate classification (germline): Conflicting classifications of pathogenicity. Review status: criteria provided, conflicting classifications (1 of 4 stars). 5 submissions from 5 submitters: Uncertain significance (1); Likely benign (4). Last evaluated 2026-01-28.

Conditions:
Hereditary cancer-predisposing syndrome. Also called: Neoplastic Syndromes, Hereditary; Hereditary Cancer Syndrome; Tumor predisposition; Hereditary neoplastic syndrome. Identifiers: Orphanet 140162, MedGen C0027672, MeSH D009386, MONDO:0015356.
Tuberous sclerosis 2 (TSC2). Identifiers: Orphanet 805, MedGen C1860707, MONDO:0013199, OMIM 613254.
Tuberous sclerosis syndrome (TSC). Also called: Tuberous Sclerosis Complex; Tuberous sclerosis. Identifiers: Orphanet 805, MedGen C0041341, MONDO:0001734.

Allele frequency attached by ClinVar (database versions not stated): ExAC 0.00001; gnomAD 0.00001; gnomAD exomes 0.00001; TOPMed 0.00002.
gnomAD v4.1: 16 of 1,614,020 alleles (0.00099%); highest among the groups gnomAD compares: African/African-American, 0.004%; no homozygotes.

Submissions (5):

Labcorp Genetics (formerly Invitae), Labcorp
Classification: Likely benign for Tuberous sclerosis 2. Last evaluated: 2026-01-28. Review status: criteria provided, single submitter. Criteria: Invitae Variant Classification Sherloc (09022015). Collection method: clinical testing. Allele origin: germline.

All of Us Research Program, National Institutes of Health
Classification: Uncertain significance for Tuberous sclerosis syndrome. Last evaluated: 2024-03-05. Review status: criteria provided, single submitter. Criteria: ACMG Guidelines, 2015. Collection method: clinical testing. Allele origin: germline. Inheritance: Autosomal dominant inheritance. Observed: 3 variant alleles, 3 heterozygotes.
Comment: This missense variant replaces glutamic acid with lysine at codon 193 of the TSC2 protein. Computational prediction is inconclusive regarding the impact of this variant on protein structure and function (internally defined REVEL score threshold 0.5 < inconclusive < 0.7, PMID: 27666373). To our knowledge, functional studies have not been reported for this variant. This variant has not been reported in individuals affected with tuberous sclerosis complex in the literature. This variant has been identified in 3/251494 chromosomes in the general population by the Genome Aggregation Database (gnomAD). The available evidence is insufficient to determine the role of this variant in disease conclusively. Therefore, this variant is classified as a Variant of Uncertain Significance.

This study involves interpretation of variants in research participants for the purpose of population health screening. Participant phenotype was not available at the time of variant classification. Additional details can be found in publication PMID: 35346344, PMCID: PMC8962531

Ambry Genetics
Classification: Likely benign for Hereditary cancer-predisposing syndrome. Last evaluated: 2022-12-02. Review status: criteria provided, single submitter. Criteria: Ambry Variant Classification Scheme 2023. Collection method: clinical testing. Allele origin: germline.

Genome-Nilou Lab
Classification: Likely benign for Tuberous sclerosis 2. Last evaluated: 2021-11-07. Review status: criteria provided, single submitter. Criteria: ACMG Guidelines, 2015. Collection method: clinical testing. Allele origin: germline. Affected: no.

GeneDx
Classification: Likely benign. Last evaluated: 2012-09-07. Review status: criteria provided, single submitter. Criteria: GeneDx Variant Classification (06012015). Collection method: clinical testing. Allele origin: germline. Affected: yes.
Comment: This variant is considered likely benign or benign based on one or more of the following criteria: it is a conservative change, it occurs at a poorly conserved position in the protein, it is predicted to be benign by multiple in silico algorithms, and/or has population frequency not consistent with disease.

Literature cited by the submitters: PubMed 29641532 (cited by Ambry Genetics).